The following is an entry in ClinVar:

ClinVar aggregate classification (germline): Conflicting classifications of pathogenicity. Review status: criteria provided, conflicting classifications (1 of 4 stars). 6 submissions from 6 submitters: Uncertain significance (2); Likely benign (3). 1 of the submissions does not count toward it. Last evaluated 2025-12-29.

Conditions:
Inborn genetic diseases. Identifiers: MedGen C0950123, MeSH D030342.
Ellis-van Creveld syndrome (EVC). Also called: EVC-Related Ellis-van Creveld Syndrome; EVC2-Related Ellis-van Creveld Syndrome; Chondroectodermal dysplasia; MESOECTODERMAL DYSPLASIA. Identifiers: Orphanet 289, MedGen C0013903, MONDO:0009162, OMIM 225500.
Curry-Hall syndrome (WAD). Also called: WEYERS ACRODENTAL DYSOSTOSIS. Identifiers: Orphanet 952, MedGen C0457013, MONDO:0008673, OMIM 193530.

Allele frequency attached by ClinVar (database versions not stated): TOPMed 0.00087; ESP Exome Variant Server 0.00092; 1000 Genomes Project 30x 0.00094; 1000 Genomes Project 0.00100.
gnomAD v4.1: 203 of 1,614,106 alleles (0.013%); highest among the groups gnomAD compares: African/African-American, 0.24%; no homozygotes.

Submissions (6):

Labcorp Genetics (formerly Invitae), Labcorp
Classification: Likely benign for Curry-Hall syndrome; Ellis-van Creveld syndrome. Last evaluated: 2025-12-29. Review status: criteria provided, single submitter. Criteria: Invitae Variant Classification Sherloc (09022015). Collection method: clinical testing. Allele origin: germline.

Women's Health and Genetics/Laboratory Corporation of America, LabCorp
Classification: Likely benign. Last evaluated: 2025-05-13. Review status: criteria provided, single submitter. Criteria: LabCorp Variant Classification Summary - May 2015. Collection method: clinical testing. Allele origin: germline.
Comment: Variant summary: EVC c.589G>T (p.Ala197Ser) results in a conservative amino acid change in the encoded protein sequence. Algorithms developed to predict the effect of missense changes on protein structure and function all suggest that this variant is likely to be tolerated. The variant allele was found at a frequency of 0.00018 in 250374 control chromosomes, predominantly at a frequency of 0.0026 within the African or African-American subpopulation in the gnomAD database. The observed variant frequency within African or African-American control individuals in the gnomAD database exceeds the estimated maximal expected allele frequency for a pathogenic variant in EVC causing Ellis-van Creveld syndrome phenotype. To our knowledge, no occurrence of c.589G>T in individuals affected with Ellis-van Creveld syndrome and no experimental evidence demonstrating its impact on protein function have been reported. ClinVar contains an entry for this variant (Variation ID: 771565). Based on the evidence outlined above, the variant was classified as likely benign.

Ambry Genetics
Classification: Likely benign for Inborn genetic diseases. Last evaluated: 2023-12-16. Review status: criteria provided, single submitter. Criteria: Ambry Variant Classification Scheme 2023. Collection method: clinical testing. Allele origin: germline.

GeneDx
Classification: Uncertain significance. Last evaluated: 2023-05-09. Review status: criteria provided, single submitter. Criteria: GeneDx Variant Classification Process June 2021. Collection method: clinical testing. Allele origin: germline. Affected: yes.
Comment: In silico analysis supports that this missense variant does not alter protein structure/function; Has not been previously published as pathogenic or benign to our knowledge

ARUP Laboratories, Molecular Genetics and Genomics, ARUP Laboratories
Classification: Uncertain significance. Last evaluated: 2020-01-16. Review status: criteria provided, single submitter. Criteria: ARUP Molecular Germline Variant Investigation Process. Collection method: clinical testing. Allele origin: germline.
Comment: The EVC c.589G>T; p.Ala197Ser variant (rs115507440), to our knowledge, is not reported in the medical literature but is reported in ClinVar (Variation ID: 771565). This variant is found in the African population with an allele frequency of 0.27% (68/24946 alleles) in the Genome Aggregation Database. The alanine at codon 197 is weakly conserved, and computational analyses (SIFT, PolyPhen-2) predict that this variant is tolerated. Due to limited information, the clinical significance of the p.Ala197Ser variant is uncertain at this time.

Natera, Inc.
Classification: Uncertain significance for Ellis-van Creveld syndrome. Last evaluated: 2020-04-21. Review status: no assertion criteria provided. Collection method: clinical testing. Allele origin: germline. Not counted in ClinVar's aggregate classification.

NM_153717.3(EVC):c.589G>T (p.Ala197Ser)

Gene: EVC (EvC ciliary complex subunit 1; plus strand). Cytogenetic location: 4p16.2.
Variant type: single nucleotide variant.
Coding change: c.589G>T on transcript NM_153717.3 (MANE Select); coding-DNA position 589, G replaced by T.
Protein change: p.Ala197Ser; replaces alanine 197 with serine.
Molecular consequence: missense variant.
Genome position (GRCh38, 1-based): chr4:5,731,629, G>T. VCF-style: chr4-5731629-G-T. GRCh37 (hg19) VCF-style: chr4-5733356-G-T.
Other names: c.589G>T, p.Ala197Ser (NM_001306090.2, NM_001306092.2); short protein forms A197S.
Identifiers: ClinVar variation 771565 (VCV000771565.23), dbSNP rs115507440, ClinGen allele CA2835741.
Genomic context (GRCh38, chr4:5,731,629, plus strand): 5'-AGCGTCCACTCGGCCACCAGCGATGACAGGTTTCTCAGCCGCACCTTCCTCCGGGTGAAC[G>T]CCTTCCCTGAAGTGCTGGCCTGCGAGAGGTAAGGAGAGCGGGCAATGGAGGATGAGGCTT-3'
Protein context (NP_714928.1, residues 187-207): FLSRTFLRVN[Ala197Ser]FPEVLACESV